The following is an entry in ClinVar:

NM_001365951.3(KIF1B):c.2258A>G (p.Lys753Arg)

Gene: KIF1B (kinesin family member 1B; plus strand). Cytogenetic location: 1p36.22.
Variant type: single nucleotide variant.
Coding change: c.2258A>G on transcript NM_001365951.3 (MANE Select); coding-DNA position 2258, A replaced by G.
Protein change: p.Lys753Arg; replaces lysine 753 with arginine.
Molecular consequence: missense variant.
Genome position (GRCh38, 1-based): chr1:10,321,757, A>G. VCF-style: chr1-10321757-A-G. GRCh37 (hg19) VCF-style: chr1-10381815-A-G.
Other names: c.2258A>G, p.Lys753Arg (NM_001365952.1); c.2120A>G, p.Lys707Arg (NM_015074.3); short protein forms K707R, K753R.
Identifiers: ClinVar variation 1786239 (VCV001786239.3), dbSNP rs1440406190, ClinGen allele CA338332767.

ClinVar aggregate classification (germline): Uncertain significance (1 of 4 stars; one submission).

Submission:

Ambry Genetics
Classification: Uncertain significance. Last evaluated: 2024-09-06. Review status: criteria provided, single submitter. Criteria: Ambry Variant Classification Scheme 2023. Collection method: clinical testing. Allele origin: germline.
Comment: The p.K707R variant (also known as c.2120A>G), located in coding exon 21 of the KIF1B gene, results from an A to G substitution at nucleotide position 2120. The lysine at codon 707 is replaced by arginine, an amino acid with highly similar properties. This amino acid position is conserved. In addition, the in silico prediction for this alteration is inconclusive. Since supporting evidence is limited at this time, the clinical significance of this alteration remains unclear.